The following is an entry in ClinVar:

NM_032603.5(LOXL3):c.395G>A (p.Ser132Asn)

Genes: DOK1 (docking protein 1; plus strand), LOXL3 (lysyl oxidase like 3; minus strand). Cytogenetic location: 2p13.1.
Variant type: single nucleotide variant.
Coding change: c.395G>A on transcript NM_032603.5 (MANE Select); coding-DNA position 395, G replaced by A.
Protein change: p.Ser132Asn; replaces serine 132 with asparagine.
Molecular consequence: missense variant. On other transcripts: intron variant (1).
Genome position (GRCh38, 1-based): chr2:74,550,267, C>T on the plus strand (G>A on the coding strand, the complement: LOXL3 is on the minus strand). VCF-style: chr2-74550267-C-T. GRCh37 (hg19) VCF-style: chr2-74777394-C-T.
Other names: c.395G>A, p.Ser132Asn (NM_001289164.3); c.-358+1095C>T (NM_001197260.2); short protein forms S132N.
Identifiers: ClinVar variation 1502728 (VCV001502728.4), dbSNP rs1676918462, ClinGen allele CA347395553.
Genomic context (GRCh38, chr2:74,550,267, plus strand): 5'-AAGCCAGGGAGGCGCTGGTCTTTGCAGATGACCCCAGCATCCTCATCGTGCGTACAGTCA[C>T]TGTTCCCCCAGCCCCGGGAGGCACATTCAGTCACACTCTGCTCGGTCCCACTGCAGCTCA-3'
Protein context (NP_115992.1, residues 122-142): TECASRGWGN[Ser132Asn]DCTHDEDAGV

ClinVar aggregate classification (germline): Uncertain significance (1 of 4 stars; one submission).

Allele frequency attached by ClinVar (database versions not stated): TOPMed below 0.00001.

Submission:

Labcorp Genetics (formerly Invitae), Labcorp
Classification: Uncertain significance. Last evaluated: 2021-08-30. Review status: criteria provided, single submitter. Criteria: Invitae Variant Classification Sherloc (09022015). Collection method: clinical testing. Allele origin: germline.
Comment: This sequence change replaces serine with asparagine at codon 132 of the LOXL3 protein (p.Ser132Asn). The serine residue is highly conserved and there is a small physicochemical difference between serine and asparagine. This variant is not present in population databases (ExAC no frequency). This variant has not been reported in the literature in individuals affected with LOXL3-related conditions. Algorithms developed to predict the effect of missense changes on protein structure and function (SIFT, PolyPhen-2, Align-GVGD) all suggest that this variant is likely to be disruptive. In summary, the available evidence is currently insufficient to determine the role of this variant in disease. Therefore, it has been classified as a Variant of Uncertain Significance.